The following is an entry in ClinVar:

ClinVar aggregate classification (germline): Conflicting classifications of pathogenicity. Review status: criteria provided, conflicting classifications (1 of 4 stars). 2 submissions from 2 submitters: Likely pathogenic (1); Uncertain significance (1). Last evaluated 2025-07-15.

Submissions (2):

Labcorp Genetics (formerly Invitae), Labcorp
Classification: Likely pathogenic. Last evaluated: 2025-07-15. Review status: criteria provided, single submitter. Criteria: Invitae Variant Classification Sherloc (09022015). Collection method: clinical testing. Allele origin: germline.
Comment: This sequence change affects a donor splice site in intron 14 of the SETD5 gene. It is expected to disrupt RNA splicing. Variants that disrupt the donor or acceptor splice site typically lead to a loss of protein function (PMID: 16199547), and loss-of-function variants in SETD5 are known to be pathogenic (PMID: 24680889). This variant is not present in population databases (gnomAD no frequency). This variant has not been reported in the literature in individuals affected with SETD5-related conditions. ClinVar contains an entry for this variant (Variation ID: 1305163). Algorithms developed to predict the effect of sequence changes on RNA splicing suggest that this variant may disrupt the consensus splice site. In summary, the currently available evidence indicates that the variant is pathogenic, but additional data are needed to prove that conclusively. Therefore, this variant has been classified as Likely Pathogenic.

GeneDx
Classification: Uncertain significance. Last evaluated: 2019-08-02. Review status: criteria provided, single submitter. Criteria: GeneDx Variant Classification Process June 2021. Collection method: clinical testing. Allele origin: germline. Affected: yes.
Comment: Not observed in large population cohorts (Lek et al., 2016); Canonical splice site variant predicted to result in an in-frame deletion of exon 14; Has not been previously published as pathogenic or benign to our knowledge

Literature cited by the submitters: PubMed 16199547 (cited by Labcorp Genetics (formerly Invitae), Labcorp); PubMed 24680889 (cited by Labcorp Genetics (formerly Invitae), Labcorp).

NM_001080517.3(SETD5):c.1782+2T>G

Gene: SETD5 (SET domain containing 5; plus strand). Cytogenetic location: 3p25.3.
Variant type: single nucleotide variant.
Coding change: c.1782+2T>G on transcript NM_001080517.3 (MANE Select); the canonical splice donor site of the intron after coding-DNA position 1782, T replaced by G.
Molecular consequence: splice donor variant.
Genome position (GRCh38, 1-based): chr3:9,447,309, T>G. VCF-style: chr3-9447309-T-G. GRCh37 (hg19) VCF-style: chr3-9488993-T-G.
Other names: c.1488+2T>G (NM_001349451.2, NM_001292043.2).
Identifiers: ClinVar variation 1305163 (VCV001305163.3), dbSNP rs2125274409, ClinGen allele CA351696668.